The following is an entry in ClinVar:

ClinVar aggregate classification (germline): Benign (1 of 4 stars; one submission).

Allele frequency attached by ClinVar (database versions not stated): TOPMed 0.00008; gnomAD 0.00041; gnomAD exomes 0.00080; ExAC 0.00178; 1000 Genomes Project 0.00200; 1000 Genomes Project 30x 0.00219.

Submission:

CeGaT Center for Human Genetics Tuebingen
Classification: Benign. Last evaluated: 2023-06-01. Review status: criteria provided, single submitter. Criteria: CeGaT Center For Human Genetics Tuebingen Variant Classification Criteria Version 2. Collection method: clinical testing. Allele origin: germline. Affected: yes. Observed: 2 variant alleles.
Comment: PCDHB4: BS1, BS2

NM_018938.4(PCDHB4):c.1079_1080del (p.Pro360fs)

Genes: PCDHB4 (protocadherin beta 4; plus strand), PCDHB@ (protocadherin beta cluster; plus strand). Cytogenetic location: 5q31.3.
Variant type: Deletion.
Coding change: c.1079_1080del on transcript NM_018938.4 (MANE Select); coding-DNA positions 1079 to 1080, 2 bases deleted (CT; older notation c.1079_1080delCT).
Protein change: p.Pro360fs; shifts the reading frame from proline 360.
Molecular consequence: frameshift variant.
Genome position (GRCh38, 1-based): chr5:141,123,077-141,123,078, CT deleted. VCF-style (leftmost placement, unchanged base first): chr5-141123076-CCT-C. GRCh37 (hg19) VCF-style: chr5-140502658-CCT-C.
Other names: short protein forms P360fs.
Identifiers: ClinVar variation 2655807 (VCV002655807.24), dbSNP rs376305371, ClinGen allele CA3456402.